The following is an entry in ClinVar:

ClinVar aggregate classification (germline): Pathogenic (1 of 4 stars; one submission).

Conditions:
Autosomal recessive ataxia, Beauce type. Also called: SYNE1 Deficiency; Spinocerebellar ataxia, autosomal recessive 8; ATAXIA, RECESSIVE, OF BEAUCE; SYNE1-Related Autosomal Recessive Cerebellar Ataxia. Identifiers: Orphanet 88644, MedGen C1853116, MONDO:0012549, OMIM 610743.
Emery-Dreifuss muscular dystrophy 4, autosomal dominant (EDMD4). Also called: EMERY-DREIFUSS MUSCULAR DYSTROPHY 4 WITH VARIABLE FEATURES. Identifiers: Orphanet 261, MedGen C2751807, MONDO:0013071, OMIM 612998.

Submission:

Labcorp Genetics (formerly Invitae), Labcorp
Classification: Pathogenic for Emery-Dreifuss muscular dystrophy 4, autosomal dominant; Autosomal recessive ataxia, Beauce type. Last evaluated: 2022-08-09. Review status: criteria provided, single submitter. Criteria: Invitae Variant Classification Sherloc (09022015). Collection method: clinical testing. Allele origin: germline.
Comment: For these reasons, this variant has been classified as Pathogenic. Algorithms developed to predict the effect of sequence changes on RNA splicing suggest that this variant may disrupt the consensus splice site. This variant has not been reported in the literature in individuals affected with SYNE1-related conditions. This variant is not present in population databases (gnomAD no frequency). This sequence change creates a premature translational stop signal (p.Met1450Trpfs*2) in the SYNE1 gene. It is expected to result in an absent or disrupted protein product. Loss-of-function variants in SYNE1 are known to be pathogenic (PMID: 19542096, 24319099, 27086870).

Literature cited by the submitters: PubMed 19542096; PubMed 24319099; PubMed 27086870.

NM_182961.4(SYNE1):c.4327del (p.Met1443fs)

Gene: SYNE1 (spectrin repeat containing nuclear envelope protein 1; minus strand). Cytogenetic location: 6q25.2.
Variant type: Deletion.
Coding change: c.4327del on transcript NM_182961.4 (MANE Select); coding-DNA position 4327, one base deleted (A; older notation c.4327delA).
Protein change: p.Met1443fs; shifts the reading frame from methionine 1443.
Molecular consequence: frameshift variant.
Genome position (GRCh38, 1-based): chr6:152,433,929, T deleted on the plus strand (A on the coding strand, the reverse complement: SYNE1 is on the minus strand); the first of 3 consecutive T bases (chr6:152,433,929-152,433,931); deleting any one gives the same sequence. VCF-style (leftmost placement, unchanged base first): chr6-152433928-AT-A. GRCh37 (hg19) VCF-style: chr6-152755063-AT-A.
Other names: c.4348del, p.Met1450fs (NM_033071.5); short protein forms M1443fs, M1450fs.
Identifiers: ClinVar variation 2023038 (VCV002023038.4), dbSNP rs2499274206, ClinGen allele CA2580075233.